The following is an entry in ClinVar:

ClinVar aggregate classification (germline): Pathogenic (1 of 4 stars; one submission).

Conditions:
Autoimmune lymphoproliferative syndrome type 2B. Also called: AUTOIMMUNE LYMPHOPROLIFERATIVE SYNDROME, TYPE IIB. Identifiers: Orphanet 275517, MedGen C1846545, MONDO:0011804, OMIM 607271.

Allele frequency attached by ClinVar (database versions not stated): ExAC 0.00001; gnomAD 0.00001; TOPMed 0.00001; gnomAD exomes 0.00002.
gnomAD v4.1: 34 of 1,613,580 alleles (0.0021%); highest among the groups gnomAD compares: South Asian, 0.0044%; no homozygotes.

Submission:

Labcorp Genetics (formerly Invitae), Labcorp
Classification: Pathogenic for Autoimmune lymphoproliferative syndrome type 2B. Last evaluated: 2023-10-25. Review status: criteria provided, single submitter. Criteria: Invitae Variant Classification Sherloc (09022015). Collection method: clinical testing. Allele origin: germline.
Comment: This sequence change creates a premature translational stop signal (p.Glu112*) in the CASP8 gene. It is expected to result in an absent or disrupted protein product. Loss-of-function variants in CASP8 are known to be pathogenic (PMID: 12353035, 25814141). This variant is present in population databases (rs758051022, gnomAD 0.003%). This variant has not been reported in the literature in individuals affected with CASP8-related conditions. For these reasons, this variant has been classified as Pathogenic.

Literature cited by the submitters: PubMed 12353035; PubMed 25814141.

NM_001372051.1(CASP8):c.306-1978G>T

Gene: CASP8 (caspase 8; plus strand). Cytogenetic location: 2q33.1.
Variant type: single nucleotide variant.
Coding change: c.306-1978G>T on transcript NM_001372051.1 (MANE Select); 1978 bases into the intron before coding-DNA position 306, G replaced by T.
Molecular consequence: intron variant. On other transcripts: nonsense (1).
Genome position (GRCh38, 1-based): chr2:201,269,538, G>T. VCF-style: chr2-201269538-G-T. GRCh37 (hg19) VCF-style: chr2-202134261-G-T.
Other names: c.334G>T, p.Glu112Ter (NM_001228.5); c.306-1978G>T (NM_001400651.1, NM_001400663.1, NM_001400657.1 and 20 more transcripts); c.-227-1978G>T (NM_001400677.1, NM_001400750.1, NM_001400751.1 and 6 more transcripts); c.-4-1978G>T (NM_001400669.1); c.-306-1978G>T (NM_001400680.1); c.483-1978G>T (NM_001080125.2, NM_001400642.1, NM_001400665.1); c.-408-1978G>T (NM_001400674.1); short protein forms E112*.
Identifiers: ClinVar variation 2885998 (VCV002885998.3), dbSNP rs758051022, ClinGen allele CA2053497.